The following is an entry in ClinVar:

ClinVar aggregate classification (germline): Uncertain significance (1 of 4 stars; one submission).

Conditions:
Hereditary cancer-predisposing syndrome. Also called: Neoplastic Syndromes, Hereditary; Tumor predisposition; Hereditary Cancer Syndrome; Hereditary neoplastic syndrome. Identifiers: Orphanet 140162, MedGen C0027672, MeSH D009386, MONDO:0015356.

Submission:

Ambry Genetics
Classification: Uncertain significance for Hereditary cancer-predisposing syndrome. Last evaluated: 2014-12-01. Review status: criteria provided, single submitter. Criteria: Ambry Autosomal Dominant and X-Linked criteria (10/2015). Collection method: clinical testing. Allele origin: germline. Observed: 1 variant allele.
Comment: The p.F2109I variant (also known as c.6325T>A and c.6262T>A and p.F2088I), located in coding exon 42 of the NF1 gene, results from a T to A substitution at nucleotide position 6325. The phenylalanine at codon 2109 is replaced by isoleucine, an amino acid with highly similar properties. This variant was not reported in population based cohorts in the following databases: Database of Single Nucleotide Polymorphisms (dbSNP), NHLBI Exome Sequencing Project (ESP), and 1000 Genomes Project. In the ESP, this variant was not observed in 6503 samples (13006 alleles) with coverage at this position. To date, this alteration has been detected with an allele frequency of approximately 0.01% (greater than 11000alleles tested) in our clinical cohort.This amino acid position is highlyconserved in mammals but not in allavailable vertebrate species. In addition, the in silico prediction for this alteration is inconclusive.Since supporting evidence is limited at this time, the clinical significance of p.F2109Iremains unclear.

NM_001042492.3(NF1):c.6325T>A (p.Phe2109Ile)

Gene: NF1 (neurofibromin 1; plus strand). Cytogenetic location: 17q11.2.
Variant type: single nucleotide variant.
Coding change: c.6325T>A on transcript NM_001042492.3 (MANE Select); coding-DNA position 6325, T replaced by A.
Protein change: p.Phe2109Ile; replaces phenylalanine 2109 with isoleucine.
Molecular consequence: missense variant.
Genome position (GRCh38, 1-based): chr17:31,336,812, T>A. VCF-style: chr17-31336812-T-A. GRCh37 (hg19) VCF-style: chr17-29663830-T-A.
Other names: c.6262T>A, p.Phe2088Ile (NM_000267.4); short protein forms F2088I, F2109I.
Identifiers: ClinVar variation 187303 (VCV000187303.3), dbSNP rs786203627, ClinGen allele CA197296.